The following is an entry in ClinVar:

ClinVar aggregate classification (germline): Pathogenic (1 of 4 stars; one submission).

Conditions:
Hereditary breast ovarian cancer syndrome. Also called: Hereditary breast and/or ovarian cancer syndrome; Hereditary breast and ovarian cancer syndrome; Breast and ovarian cancer; Hereditary breast and ovarian cancer syndrome (HBOC); BRCA1- and BRCA2-Associated Hereditary Breast and Ovarian Cancer; Hereditary breast and ovarian cancer. Identifiers: Orphanet 145, MedGen C0677776, MeSH D061325, MONDO:0003582. Disease mechanism: loss of function.

Submission:

Labcorp Genetics (formerly Invitae), Labcorp
Classification: Pathogenic for Hereditary breast ovarian cancer syndrome. Last evaluated: 2025-09-20. Review status: criteria provided, single submitter. Criteria: Invitae Variant Classification Sherloc (09022015). Collection method: clinical testing. Allele origin: germline.
Comment: This sequence change creates a premature translational stop signal (p.Thr3211Valfs*7) in the BRCA2 gene. While this is not anticipated to result in nonsense mediated decay, it is expected to disrupt the last 208 amino acid(s) of the BRCA2 protein. This variant is not present in population databases (gnomAD no frequency). This variant has not been reported in the literature in individuals affected with BRCA2-related conditions. This variant disrupts a region of the BRCA2 protein in which other variant(s) (p.Tyr3308*) have been determined to be pathogenic (PMID: 18593900, 18607349). This suggests that this is a clinically significant region of the protein, and that variants that disrupt it are likely to be disease-causing. For these reasons, this variant has been classified as Pathogenic.

Literature cited by the submitters: PubMed 18593900; PubMed 18607349.

NM_000059.4(BRCA2):c.9629_9630dup (p.Thr3211fs)

Gene: BRCA2 (BRCA2 DNA repair associated; plus strand). Cytogenetic location: 13q13.1.
Variant type: Duplication.
Coding change: c.9629_9630dup on transcript NM_000059.4 (MANE Select); coding-DNA positions 9629 to 9630, 2 bases duplicated (GT; older notation c.9629_9630dupGT).
Protein change: p.Thr3211fs; shifts the reading frame from threonine 3211.
Molecular consequence: frameshift variant. On other transcripts: non-coding transcript variant (1).
Genome position (GRCh38, 1-based): chr13:32,397,025-32,397,026, GT duplicated. VCF-style (leftmost placement, unchanged base first): chr13-32397024-G-GGT. GRCh37 (hg19) VCF-style: chr13-32971161-G-GGT.
Other names: c.9533_9534dup, p.Thr3179fs (NM_001406719.1); c.9578_9579dup, p.Thr3194fs (NM_001406720.1); c.4697_4698dup, p.Thr1567fs (NM_001406721.1); c.3212_3213dup, p.Thr1072fs (NM_001406722.1); c.9629_9630dup, p.Thr3211fs (NM_001432077.1); short protein forms T3194fs, T1072fs, T3179fs, T1567fs, T3211fs.
Identifiers: ClinVar variation 4727471 (VCV004727471.1).